The following is an entry in ClinVar:

NM_004044.7(ATIC):c.552A>G (p.Gln184=)

Gene: ATIC (5-aminoimidazole-4-carboxamide ribonucleotide formyltransferase/IMP cyclohydrolase; plus strand). Cytogenetic location: 2q35.
Variant type: single nucleotide variant.
Coding change: c.552A>G on transcript NM_004044.7 (MANE Select); coding-DNA position 552, A replaced by G.
Protein change: p.Gln184=; no amino-acid change (glutamine 184 retained).
Molecular consequence: synonymous variant.
Genome position (GRCh38, 1-based): chr2:215,326,842, A>G. VCF-style: chr2-215326842-A-G. GRCh37 (hg19) VCF-style: chr2-216191565-A-G.
Identifiers: ClinVar variation 4872573 (VCV004872573.2).

ClinVar aggregate classification (germline): Likely benign (1 of 4 stars; one submission).

gnomAD v4.1: 58 of 1,614,028 alleles (0.0036%); highest among the groups gnomAD compares: Admixed American, 0.09%; no homozygotes.

Submission:

CeGaT Center for Human Genetics Tuebingen
Classification: Likely benign. Last evaluated: 2026-06-01. Review status: criteria provided, single submitter. Criteria: CeGaT Center For Human Genetics Tuebingen Variant Classification Criteria Version 2. Collection method: clinical testing. Allele origin: germline. Affected: yes. Observed: 1 variant allele.
Comment: ATIC: BP4, BP7